The following is an entry in ClinVar:

NM_022455.5(NSD1):c.7482C>G (p.Ser2494Arg)

Gene: NSD1 (nuclear receptor binding SET domain protein 1; plus strand). Cytogenetic location: 5q35.3.
Variant type: single nucleotide variant.
Coding change: c.7482C>G on transcript NM_022455.5 (MANE Select); coding-DNA position 7482, C replaced by G.
Protein change: p.Ser2494Arg; replaces serine 2494 with arginine.
Molecular consequence: missense variant.
Genome position (GRCh38, 1-based): chr5:177,294,850, C>G. VCF-style: chr5-177294850-C-G. GRCh37 (hg19) VCF-style: chr5-176721851-C-G.
Other names: c.6609C>G, p.Ser2203Arg (NM_001365684.2, NM_001409308.1, NM_172349.5); c.7482C>G, p.Ser2494Arg (NM_001409301.1, NM_001409302.1, NM_001409303.1); c.7062C>G, p.Ser2354Arg (NM_001409304.1); c.6729C>G, p.Ser2243Arg (NM_001409305.1); c.6720C>G, p.Ser2240Arg (NM_001409306.1, NM_001409307.1); c.6360C>G, p.Ser2120Arg (NM_001409309.1); short protein forms S2120R, S2203R, S2240R, S2243R, S2354R, S2494R.
Identifiers: ClinVar variation 5020540 (VCV005020540.1).
Genomic context (GRCh38, chr5:177,294,850, plus strand): 5'-GGTCACACCACAGGCTGATGAGAAGATGCCAGTGTTGGAGTCAAGTTCATGGCCTGCCAG[C>G]AAAGGTCTGGGGCATATGCCGAGAGCTGTTGAGAAAGGCTGTGTGTCAGATCCTCTTCAG-3'
Protein context (NP_071900.2, residues 2484-2504): PVLESSSWPA[Ser2494Arg]KGLGHMPRAV

ClinVar aggregate classification (germline): Uncertain significance (1 of 4 stars; one submission).

Submission:

Dasa
Classification: Uncertain significance. Last evaluated: 2026-05-19. Review status: criteria provided, single submitter. Criteria: DASA Assertion Criteria. Collection method: clinical testing. Allele origin: germline.
Comment: NM_022455.5(NSD1):c.7482C>G (p.Ser2494Arg) is a missense variant that results in the substitution of serine with arginine. This variant is absent from population databases. The currently available literature and clinical evidence are not sufficient to establish a definitive association between this variant and the reported condition. Therefore, this variant is classified as a variant of uncertain significance.